The following is an entry in ClinVar:

NM_001394998.1(TANC2):c.1989G>A (p.Leu663=)

Gene: TANC2 (tetratricopeptide repeat, ankyrin repeat and coiled-coil containing 2; plus strand). Cytogenetic location: 17q23.3.
Variant type: single nucleotide variant.
Coding change: c.1989G>A on transcript NM_001394998.1 (MANE Select); coding-DNA position 1989, G replaced by A.
Protein change: p.Leu663=; no amino-acid change (leucine 663 retained).
Molecular consequence: synonymous variant.
Genome position (GRCh38, 1-based): chr17:63,354,797, G>A. VCF-style: chr17-63354797-G-A. GRCh37 (hg19) VCF-style: chr17-61432158-G-A.
Other names: c.1767G>A (NM_025185.3); c.1767G>A, p.Leu589= (NM_001411076.1, NM_025185.4).
Identifiers: ClinVar variation 3025407 (VCV003025407.23), dbSNP rs150314512, ClinGen allele CA8697721.

ClinVar aggregate classification (germline): Benign. Review status: criteria provided, single submitter (1 of 4 stars). 2 submissions from 2 submitters: Benign (1). 1 of the submissions does not count toward it. Last evaluated 2024-01-01.

Conditions:
TANC2-related disorder. Also called: TANC2-related condition.

Allele frequency attached by ClinVar (database versions not stated): gnomAD exomes 0.00039; ExAC 0.00132; 1000 Genomes Project 0.00280; 1000 Genomes Project 30x 0.00297; gnomAD 0.00409; ESP Exome Variant Server 0.00445; TOPMed 0.00488.
gnomAD v4.1: 1,187 of 1,570,002 alleles (0.076%); highest among the groups gnomAD compares: African/African-American, 1.5%; 7 homozygotes.

Submissions (2):

CeGaT Center for Human Genetics Tuebingen
Classification: Benign. Last evaluated: 2024-01-01. Review status: criteria provided, single submitter. Criteria: CeGaT Center For Human Genetics Tuebingen Variant Classification Criteria Version 2. Collection method: clinical testing. Allele origin: germline. Affected: yes. Observed: 1 variant allele.
Comment: TANC2: BP4, BP7, BS1, BS2

PreventionGenetics, part of Exact Sciences
Classification: Benign for TANC2-related condition. Last evaluated: 2019-07-11. Review status: no assertion criteria provided. Collection method: clinical testing. Allele origin: germline. Not counted in ClinVar's aggregate classification.
Comment: This variant is classified as benign based on ACMG/AMP sequence variant interpretation guidelines (Richards et al. 2015 PMID: 25741868, with internal and published modifications).